The following is an entry in ClinVar:

ClinVar aggregate classification (germline): Conflicting classifications of pathogenicity. Review status: criteria provided, conflicting classifications (1 of 4 stars). 4 submissions from 4 submitters: Uncertain significance (1); Likely benign (3). Last evaluated 2026-04-01.

Conditions:
Brugada syndrome 5 (BRGDA5). Identifiers: Orphanet 130, Orphanet 871, MedGen C2748541, MONDO:0013015, OMIM 612838.
Cardiovascular phenotype. Identifiers: MedGen CN230736.

Allele frequency attached by ClinVar (database versions not stated): gnomAD exomes below 0.00001 and 0.00002; gnomAD 0.00001; TOPMed 0.00001; ExAC 0.00005; 1000 Genomes Project 30x 0.00016; 1000 Genomes Project 0.00020.
gnomAD v4.1: 3 of 1,614,166 alleles (0.00019%); highest among the groups gnomAD compares: East Asian, 0.0067%; no homozygotes.

Submissions (4):

CeGaT Center for Human Genetics Tuebingen
Classification: Likely benign. Last evaluated: 2026-04-01. Review status: criteria provided, single submitter. Criteria: CeGaT Center For Human Genetics Tuebingen Variant Classification Criteria Version 2. Collection method: clinical testing. Allele origin: germline. Affected: yes. Observed: 1 variant allele.
Comment: SCN1B: BP4

Labcorp Genetics (formerly Invitae), Labcorp
Classification: Likely benign for Brugada syndrome 5. Last evaluated: 2025-10-13. Review status: criteria provided, single submitter. Criteria: Invitae Variant Classification Sherloc (09022015). Collection method: clinical testing. Allele origin: germline.

Ambry Genetics
Classification: Likely benign for Cardiovascular phenotype. Last evaluated: 2024-06-21. Review status: criteria provided, single submitter. Criteria: Ambry Variant Classification Scheme 2023. Collection method: clinical testing. Allele origin: germline.

GeneDx
Classification: Uncertain significance. Last evaluated: 2024-01-18. Review status: criteria provided, single submitter. Criteria: GeneDx Variant Classification Process June 2021. Collection method: clinical testing. Allele origin: germline.
Comment: In silico analysis supports that this variant does not alter splicing; Has not been previously published as pathogenic or benign to our knowledge

NM_001037.5(SCN1B):c.408C>T (p.Thr136=)

Gene: SCN1B (sodium voltage-gated channel beta subunit 1; plus strand). Cytogenetic location: 19q13.11.
Variant type: single nucleotide variant.
Coding change: c.408C>T on transcript NM_001037.5 (MANE Select); coding-DNA position 408, C replaced by T.
Protein change: p.Thr136=; no amino-acid change (threonine 136 retained).
Molecular consequence: synonymous variant.
Genome position (GRCh38, 1-based): chr19:35,033,699, C>T. VCF-style: chr19-35033699-C-T. GRCh37 (hg19) VCF-style: chr19-35524603-C-T.
Other names: c.309C>T, p.Thr103= (NM_001321605.2); c.408C>T, p.Thr136= (NM_199037.5); c.408C>T (NM_001037.4).
Identifiers: ClinVar variation 1637252 (VCV001637252.13), dbSNP rs200126026, ClinGen allele CA9372012.